The following is an entry in ClinVar:

ClinVar aggregate classification (germline): Benign/Likely benign. Review status: criteria provided, multiple submitters, no conflicts (2 of 4 stars). 3 submissions from 3 submitters: Benign (1); Likely benign (2). Last evaluated 2025-07-15.

Conditions:
Atrioventricular septal defect, susceptibility to, 2. Identifiers: MedGen C1853508, MONDO:0011650, OMIM 606217.
CRELD1-related disorder. Also called: CRELD1-related condition.

Allele frequency attached by ClinVar (database versions not stated): gnomAD exomes 0.00014; ExAC 0.00016; 1000 Genomes Project 30x 0.00031; ESP Exome Variant Server 0.00031; 1000 Genomes Project 0.00040; gnomAD 0.00060 and 0.00064; TOPMed 0.00079.
gnomAD v4.1: 168 of 1,604,624 alleles (0.01%); highest among the groups gnomAD compares: African/African-American, 0.21%; no homozygotes.

Submissions (3):

PreventionGenetics, part of Exact Sciences
Classification: Likely benign for CRELD1-related condition. Last evaluated: 2025-07-15. Review status: criteria provided, single submitter. Criteria: ACMG Guidelines, 2015. Collection method: clinical testing. Allele origin: germline.
Comment: This variant is classified as likely benign based on ACMG/AMP sequence variant interpretation guidelines (Richards et al. 2015 PMID: 25741868, with internal and published modifications).

Blueprint Genetics
Classification: Likely benign. Last evaluated: 2024-10-07. Review status: criteria provided, single submitter. Criteria: ACMG Guidelines, 2015. Collection method: clinical testing. Allele origin: germline.

Labcorp Genetics (formerly Invitae), Labcorp
Classification: Benign for Atrioventricular septal defect, susceptibility to, 2. Last evaluated: 2024-09-04. Review status: criteria provided, single submitter. Criteria: Invitae Variant Classification Sherloc (09022015). Collection method: clinical testing. Allele origin: germline.

NM_001077415.3(CRELD1):c.257+10T>G

Gene: CRELD1 (CRELD disulfide isomerase 1; plus strand). Cytogenetic location: 3p25.3.
Variant type: single nucleotide variant.
Coding change: c.257+10T>G on transcript NM_001077415.3 (MANE Select); 10 bases into the intron after coding-DNA position 257, T replaced by G.
Molecular consequence: intron variant.
Genome position (GRCh38, 1-based): chr3:9,934,927, T>G. VCF-style: chr3-9934927-T-G. GRCh37 (hg19) VCF-style: chr3-9976611-T-G.
Other names: c.257+10T>G (NM_001374317.1, NM_001031717.4, NM_001374319.1 and 5 more transcripts).
Identifiers: ClinVar variation 700432 (VCV000700432.11), dbSNP rs146680338, ClinGen allele CA2247609.